The following is an entry in ClinVar:

NM_000538.4(RFXAP):c.154T>C (p.Cys52Arg)

Gene: RFXAP (regulatory factor X associated protein; plus strand). Cytogenetic location: 13q13.3.
Variant type: single nucleotide variant.
Coding change: c.154T>C on transcript NM_000538.4 (MANE Select); coding-DNA position 154, T replaced by C.
Protein change: p.Cys52Arg; replaces cysteine 52 with arginine.
Molecular consequence: missense variant.
Genome position (GRCh38, 1-based): chr13:36,819,511, T>C. VCF-style: chr13-36819511-T-C. GRCh37 (hg19) VCF-style: chr13-37393648-T-C.
Other names: short protein forms C52R.
Identifiers: ClinVar variation 2744217 (VCV002744217.3), dbSNP rs890565154, ClinGen allele CA248179388.

ClinVar aggregate classification (germline): Uncertain significance (1 of 4 stars; one submission).

Conditions:
MHC class II deficiency. Also called: Bare lymphocyte syndrome 2; BLS, TYPE II. Identifiers: Orphanet 572, MedGen C5447452, MONDO:0008855.

Allele frequency attached by ClinVar (database versions not stated): gnomAD 0.00003; gnomAD exomes 0.00003; TOPMed 0.00003.
gnomAD v4.1: 45 of 1,545,026 alleles (0.0029%); highest among the groups gnomAD compares: African/African-American, 0.0041%; no homozygotes.

Submission:

Labcorp Genetics (formerly Invitae), Labcorp
Classification: Uncertain significance for MHC class II deficiency. Last evaluated: 2023-11-17. Review status: criteria provided, single submitter. Criteria: Invitae Variant Classification Sherloc (09022015). Collection method: clinical testing. Allele origin: germline.
Comment: This sequence change replaces cysteine, which is neutral and slightly polar, with arginine, which is basic and polar, at codon 52 of the RFXAP protein (p.Cys52Arg). This variant is not present in population databases (gnomAD no frequency). This variant has not been reported in the literature in individuals affected with RFXAP-related conditions. An algorithm developed to predict the effect of missense changes on protein structure and function (PolyPhen-2) suggests that this variant is likely to be disruptive. In summary, the available evidence is currently insufficient to determine the role of this variant in disease. Therefore, it has been classified as a Variant of Uncertain Significance.